The following is an entry in ClinVar:

NM_001276270.2(MBD4):c.224G>A (p.Gly75Asp)

Gene: MBD4 (methyl-CpG binding domain 4, DNA glycosylase; minus strand). Cytogenetic location: 3q21.3.
Variant type: single nucleotide variant.
Coding change: c.224G>A on transcript NM_001276270.2 (MANE Select); coding-DNA position 224, G replaced by A.
Protein change: p.Gly75Asp; replaces glycine 75 with aspartic acid.
Molecular consequence: missense variant.
Genome position (GRCh38, 1-based): chr3:129,437,831, C>T on the plus strand (G>A on the coding strand, the complement: MBD4 is on the minus strand). VCF-style: chr3-129437831-C-T. GRCh37 (hg19) VCF-style: chr3-129156674-C-T.
Other names: c.224G>A, p.Gly75Asp (NM_001276271.2, NM_001276272.2, NM_001276273.2 and 1 more transcripts); short protein forms G75D.
Identifiers: ClinVar variation 4859616 (VCV004859616.1).
Genomic context (GRCh38, chr3:129,437,831, plus strand): 5'-TTCACAACTCTTTCCCATCCACATGGGACAGACTTACGGCATTCTGTTCCTGCAGTAGCA[C>T]CAAACTGAGCAGAAGCGATGGGTTCTTGTAGCAAGGGATTACATTCACTGCTTCTTTTTA-3'
Protein context (NP_001263199.1, residues 65-85): LQEPIASAQF[Gly75Asp]ATAGTECRKS

ClinVar aggregate classification (germline): Uncertain significance (1 of 4 stars; one submission).

Conditions:
Inborn genetic diseases. Identifiers: MedGen C0950123, MeSH D030342.

gnomAD v4.1: 2 of 1,614,008 alleles (0.00012%); highest among the groups gnomAD compares: South Asian, 0.0011%; no homozygotes.

Submission:

Ambry Genetics
Classification: Uncertain significance for Inborn genetic diseases. Last evaluated: 2026-05-21. Review status: criteria provided, single submitter. Criteria: Ambry Variant Classification Scheme 2023. Collection method: clinical testing. Allele origin: germline.
Comment: The p.G75D variant (also known as c.224G>A), located in coding exon 2 of the MBD4 gene, results from a G to A substitution at nucleotide position 224. The glycine at codon 75 is replaced by aspartic acid, an amino acid with similar properties. This amino acid position is conserved. In addition, the in silico prediction for this alteration is inconclusive. Based on the available evidence, the clinical significance of this variant remains unclear.